The following is an entry in ClinVar:

NM_000350.3(ABCA4):c.3295T>C (p.Ser1099Pro)

Gene: ABCA4 (ATP binding cassette subfamily A member 4; minus strand). Cytogenetic location: 1p22.1.
Variant type: single nucleotide variant.
Coding change: c.3295T>C on transcript NM_000350.3 (MANE Select); coding-DNA position 3295, T replaced by C.
Protein change: p.Ser1099Pro; replaces serine 1099 with proline.
Molecular consequence: missense variant.
Genome position (GRCh38, 1-based): chr1:94,042,794, A>G on the plus strand (T>C on the coding strand, the complement: ABCA4 is on the minus strand). VCF-style: chr1-94042794-A-G. GRCh37 (hg19) VCF-style: chr1-94508350-A-G.
Other names: c.3073T>C, p.Ser1025Pro (NM_001425324.1); short protein forms S1099P, S1025P.
Identifiers: ClinVar variation 99216 (VCV000099216.5), dbSNP rs61750119, ClinGen allele CA227104.

ClinVar aggregate classification (germline): Pathogenic. Review status: criteria provided, single submitter (1 of 4 stars). 2 submissions from 2 submitters: Pathogenic (1). 1 of the submissions does not count toward it. Last evaluated 2022-04-17.

Submissions (2):

Labcorp Genetics (formerly Invitae), Labcorp
Classification: Pathogenic. Last evaluated: 2022-04-17. Review status: criteria provided, single submitter. Criteria: Invitae Variant Classification Sherloc (09022015). Collection method: clinical testing. Allele origin: germline.
Comment: For these reasons, this variant has been classified as Pathogenic. Advanced modeling of protein sequence and biophysical properties (such as structural, functional, and spatial information, amino acid conservation, physicochemical variation, residue mobility, and thermodynamic stability) performed at Invitae indicates that this missense variant is expected to disrupt ABCA4 protein function. ClinVar contains an entry for this variant (Variation ID: 99216). This missense change has been observed in individual(s) with Stargardt disease (PMID: 11702214; Invitae). This variant is not present in population databases (gnomAD no frequency). This sequence change replaces serine, which is neutral and polar, with proline, which is neutral and non-polar, at codon 1099 of the ABCA4 protein (p.Ser1099Pro).

Retina International
No classification provided. Review status: no classification provided. Collection method: not provided. Allele origin: not provided. Not counted in ClinVar's aggregate classification.

Literature cited by the submitters: PubMed 11702214 (cited by Labcorp Genetics (formerly Invitae), Labcorp).